The following is an entry in ClinVar:

ClinVar aggregate classification (germline): Uncertain significance (1 of 4 stars; one submission).

Conditions:
Cardiovascular phenotype. Identifiers: MedGen CN230736.

Allele frequency attached by ClinVar (database versions not stated): TOPMed below 0.00001.
gnomAD v4.1: 3 of 1,610,702 alleles (0.00019%); highest among the groups gnomAD compares: African/African-American, 0.0013%; no homozygotes.

Submission:

Ambry Genetics
Classification: Uncertain significance for Cardiovascular phenotype. Last evaluated: 2022-04-25. Review status: criteria provided, single submitter. Criteria: Ambry Variant Classification Scheme 2023. Collection method: clinical testing. Allele origin: germline.
Comment: The p.T2215K variant (also known as c.6644C>A), located in coding exon 18 of the TNXB gene, results from a C to A substitution at nucleotide position 6644. The threonine at codon 2215 is replaced by lysine, an amino acid with similar properties. This amino acid position is conserved. In addition, this alteration is predicted to be tolerated by in silico analysis. Since supporting evidence is limited at this time, the clinical significance of this alteration remains unclear.

NM_001365276.2(TNXB):c.6644C>A (p.Thr2215Lys)

Gene: TNXB (tenascin XB; minus strand). Cytogenetic location: 6p21.33.
Variant type: single nucleotide variant.
Coding change: c.6644C>A on transcript NM_001365276.2 (MANE Select); coding-DNA position 6644, C replaced by A.
Protein change: p.Thr2215Lys; replaces threonine 2215 with lysine.
Molecular consequence: missense variant.
Genome position (GRCh38, 1-based): chr6:32,065,018, G>T on the plus strand (C>A on the coding strand, the complement: TNXB is on the minus strand). VCF-style: chr6-32065018-G-T. GRCh37 (hg19) VCF-style: chr6-32032795-G-T.
Other names: c.6644C>A, p.Thr2215Lys (NM_019105.8); short protein forms T2215K.
Identifiers: ClinVar variation 1754651 (VCV001754651.2), dbSNP rs1294600170, ClinGen allele CA363396124.
Genomic context (GRCh38, chr6:32,065,018, plus strand): 5'-GGCTGCCCGTCCCCATTCTTAAACTGGACCAAGAAATGGTCAAACTGGCCCTCGGGGACT[G>T]TCCAGGAGAGGCTGAGGGAGTCGGAGGTGATGTCTCTCACTGTCATCTGCCCTAGGCGCA-3'
Protein context (NP_001352205.1, residues 2205-2225): ITSDSLSLSW[Thr2215Lys]VPEGQFDHFL